The following is an entry in ClinVar:

NM_004172.5(SLC1A3):c.955G>A (p.Val319Met)

Genes: SLC1A3-AS1 (SLC1A3 antisense RNA 1; minus strand), SLC1A3 (solute carrier family 1 member 3; plus strand). Cytogenetic location: 5p13.2.
Variant type: single nucleotide variant.
Coding change: c.955G>A on transcript NM_004172.5 (MANE Select); coding-DNA position 955, G replaced by A.
Protein change: p.Val319Met; replaces valine 319 with methionine.
Molecular consequence: missense variant.
Genome position (GRCh38, 1-based): chr5:36,679,721, G>A. VCF-style: chr5-36679721-G-A. GRCh37 (hg19) VCF-style: chr5-36679823-G-A.
Other names: c.955G>A, p.Val319Met (NM_001166695.3); c.817G>A, p.Val273Met (NM_001289939.2); c.619G>A, p.Val207Met (NM_001289940.2); short protein forms V319M, V207M, V273M.
Identifiers: ClinVar variation 907391 (VCV000907391.5), dbSNP rs753136358, ClinGen allele CA3235583.

ClinVar aggregate classification (germline): Uncertain significance. Review status: criteria provided, single submitter (1 of 4 stars). 2 submissions from 2 submitters: Uncertain significance (1). 1 of the submissions does not count toward it. Last evaluated 2018-01-13.

Conditions:
Episodic ataxia type 6. Identifiers: Orphanet 209967, MedGen C2675211, MONDO:0012982, OMIM 612656.
SLC1A3-related disorder. Also called: SLC1A3-related condition.

Allele frequency attached by ClinVar (database versions not stated): gnomAD exomes below 0.00001 and 0.00003; ExAC 0.00001; gnomAD 0.00002 and 0.00003; TOPMed 0.00005.
gnomAD v4.1: 54 of 1,613,958 alleles (0.0033%); highest among the groups gnomAD compares: East Asian, 0.069%; no homozygotes.

Submissions (2):

Illumina Laboratory Services, Illumina
Classification: Uncertain significance for Episodic ataxia type 6. Last evaluated: 2018-01-13. Review status: criteria provided, single submitter. Criteria: ICSL Variant Classification Criteria 13 December 2019. Collection method: clinical testing. Allele origin: germline.

PreventionGenetics, part of Exact Sciences
Classification: Uncertain significance for SLC1A3-related condition. Last evaluated: 2024-08-26. Review status: no assertion criteria provided. Collection method: clinical testing. Allele origin: germline. Not counted in ClinVar's aggregate classification.
Comment: The SLC1A3 c.955G>A variant is predicted to result in the amino acid substitution p.Val319Met. To our knowledge, this variant has not been reported in the literature. This variant is reported in 0.0050% of alleles in individuals of East Asian descent in gnomAD. At this time, the clinical significance of this variant is uncertain due to the absence of conclusive functional and genetic evidence.